The following is an entry in ClinVar:

ClinVar aggregate classification (germline): Likely benign. Review status: criteria provided, multiple submitters, no conflicts (2 of 4 stars). 5 submissions from 5 submitters: Likely benign (5). Last evaluated 2026-01-01.

Conditions:
Frontometaphyseal dysplasia (FMD1). Identifiers: Orphanet 1826, MedGen C0265293, MONDO:0015942.
Melnick-Needles syndrome (MNS). Also called: Melnick-Needles Syndrome (FLNA-MNS); OSTEODYSPLASTY OF MELNICK AND NEEDLES; MELNICK-NEEDLES OSTEODYSPLASTY. Identifiers: Orphanet 2484, MedGen C0025237, MONDO:0010650, OMIM 309350.
Oto-palato-digital syndrome, type II (OPD2). Also called: Otopalatodigital Syndrome Type 2 (FLNA-OPD2); Otopalatodigital Syndrome, Type II; OPD II SYNDROME; FACIOPALATOOSSEOUS SYNDROME. Identifiers: Orphanet 669, Orphanet 90652, MedGen C1844696, MONDO:0010571, OMIM 304120.
Heterotopia, periventricular, X-linked dominant (PVNH1). Also called: PERIVENTRICULAR NODULAR HETEROTOPIA 4; HETEROTOPIA, PERIVENTRICULAR, 1; PERIVENTRICULAR NODULAR HETEROTOPIA 1; X-linked periventricular heterotopia. Identifiers: Orphanet 2149, Orphanet 82004, MedGen C1848213, MONDO:0010233, OMIM 300049.
Familial thoracic aortic aneurysm and aortic dissection (TAAD). Also called: Thoracic aortic aneurysms and dissections. Identifiers: Orphanet 91387, MedGen C4707243, MONDO:0019625.

Allele frequency attached by ClinVar (database versions not stated): gnomAD 0.00003 and 0.00004; gnomAD exomes 0.00003; TOPMed 0.00004.
gnomAD v4.1: 61 of 1,209,521 alleles (0.005%); highest among the groups gnomAD compares: Non-Finnish European, 0.0067%; no homozygotes.

Submissions (5):

CeGaT Center for Human Genetics Tuebingen
Classification: Likely benign. Last evaluated: 2026-01-01. Review status: criteria provided, single submitter. Criteria: CeGaT Center For Human Genetics Tuebingen Variant Classification Criteria Version 2. Collection method: clinical testing. Allele origin: germline. Affected: yes. Observed: 3 variant alleles.
Comment: FLNA: BP4, BP7, BS2

Labcorp Genetics (formerly Invitae), Labcorp
Classification: Likely benign for Oto-palato-digital syndrome, type II; Heterotopia, periventricular, X-linked dominant; Frontometaphyseal dysplasia; Melnick-Needles syndrome. Last evaluated: 2025-11-12. Review status: criteria provided, single submitter. Criteria: Invitae Variant Classification Sherloc (09022015). Collection method: clinical testing. Allele origin: germline.

Ambry Genetics
Classification: Likely benign for Familial thoracic aortic aneurysm and aortic dissection. Last evaluated: 2021-02-04. Review status: criteria provided, single submitter. Criteria: Ambry Variant Classification Scheme 2023. Collection method: clinical testing. Allele origin: germline.

ARUP Laboratories, Molecular Genetics and Genomics, ARUP Laboratories
Classification: Likely benign. Last evaluated: 2019-11-10. Review status: criteria provided, single submitter. Criteria: ARUP Molecular Germline Variant Investigation Process. Collection method: clinical testing. Allele origin: germline.

GeneDx
Classification: Likely benign. Last evaluated: 2017-06-05. Review status: criteria provided, single submitter. Criteria: GeneDx Variant Classification (06012015). Collection method: clinical testing. Allele origin: germline. Affected: yes.
Comment: This variant is considered likely benign or benign based on one or more of the following criteria: it is a conservative change, it occurs at a poorly conserved position in the protein, it is predicted to be benign by multiple in silico algorithms, and/or has population frequency not consistent with disease.

NM_001110556.2(FLNA):c.7353C>T (p.Val2451=)

Gene: FLNA (filamin A; minus strand). Cytogenetic location: Xq28.
Variant type: single nucleotide variant.
Coding change: c.7353C>T on transcript NM_001110556.2 (MANE Select); coding-DNA position 7353, C replaced by T.
Protein change: p.Val2451=; no amino-acid change (valine 2451 retained).
Molecular consequence: synonymous variant.
Genome position (GRCh38, 1-based): chrX:154,349,848, G>A on the plus strand (C>T on the coding strand, the complement: FLNA is on the minus strand). VCF-style: chrX-154349848-G-A. GRCh37 (hg19) VCF-style: chrX-153578216-G-A.
Other names: c.7329C>T, p.Val2443= (NM_001456.4).
Identifiers: ClinVar variation 383952 (VCV000383952.45), dbSNP rs1057521797, ClinGen allele CA16608794.